The following is an entry in ClinVar:

ClinVar aggregate classification (germline): Uncertain significance. Review status: criteria provided, multiple submitters, no conflicts (2 of 4 stars). 2 submissions from 2 submitters: Uncertain significance (2). Last evaluated 2024-10-14.

Submissions (2):

Labcorp Genetics (formerly Invitae), Labcorp
Classification: Uncertain significance. Last evaluated: 2024-10-14. Review status: criteria provided, single submitter. Criteria: Invitae Variant Classification Sherloc (09022015). Collection method: clinical testing. Allele origin: germline.
Comment: This sequence change replaces lysine, which is basic and polar, with arginine, which is basic and polar, at codon 599 of the COL9A2 protein (p.Lys599Arg). This variant is not present in population databases (gnomAD no frequency). This variant has not been reported in the literature in individuals affected with COL9A2-related conditions. Invitae Evidence Modeling of protein sequence and biophysical properties (such as structural, functional, and spatial information, amino acid conservation, physicochemical variation, residue mobility, and thermodynamic stability) indicates that this missense variant is not expected to disrupt COL9A2 protein function with a negative predictive value of 95%. In summary, the available evidence is currently insufficient to determine the role of this variant in disease. Therefore, it has been classified as a Variant of Uncertain Significance.

Blueprint Genetics
Classification: Uncertain significance. Last evaluated: 2022-05-04. Review status: criteria provided, single submitter. Criteria: ACMG Guidelines, 2015. Collection method: clinical testing. Allele origin: germline.

NM_001852.4(COL9A2):c.1796A>G (p.Lys599Arg)

Gene: COL9A2 (collagen type IX alpha 2 chain; minus strand). Cytogenetic location: 1p34.2.
Variant type: single nucleotide variant.
Coding change: c.1796A>G on transcript NM_001852.4 (MANE Select); coding-DNA position 1796, A replaced by G.
Protein change: p.Lys599Arg; replaces lysine 599 with arginine.
Molecular consequence: missense variant.
Genome position (GRCh38, 1-based): chr1:40,301,886, T>C on the plus strand (A>G on the coding strand, the complement: COL9A2 is on the minus strand). VCF-style: chr1-40301886-T-C. GRCh37 (hg19) VCF-style: chr1-40767558-T-C.
Other names: short protein forms K599R.
Identifiers: ClinVar variation 3623696 (VCV003623696.3).